The following is an entry in ClinVar:

NM_001370259.2(MEN1):c.1822A>G (p.Lys608Glu)

Gene: MEN1 (menin 1; minus strand). Cytogenetic location: 11q13.1.
Variant type: single nucleotide variant.
Coding change: c.1822A>G on transcript NM_001370259.2 (MANE Select); coding-DNA position 1822, A replaced by G.
Protein change: p.Lys608Glu; replaces lysine 608 with glutamic acid.
Molecular consequence: missense variant.
Genome position (GRCh38, 1-based): chr11:64,804,345, T>C on the plus strand (A>G on the coding strand, the complement: MEN1 is on the minus strand). VCF-style: chr11-64804345-T-C. GRCh37 (hg19) VCF-style: chr11-64571817-T-C.
Other names: c.1837A>G, p.Lys613Glu (NM_000244.4, NM_130800.3, NM_130801.3 and 3 more transcripts); c.1948A>G, p.Lys650Glu (NM_001370251.2); c.1822A>G, p.Lys608Glu (NM_001370260.2, NM_001370261.2, NM_130799.3); c.1717A>G, p.Lys573Glu (NM_001370262.2, NM_001370263.2); short protein forms K608E, K573E, K613E, K650E.
Identifiers: ClinVar variation 1487775 (VCV001487775.10), dbSNP rs2136076826, ClinGen allele CA381177047.

ClinVar aggregate classification (germline): Uncertain significance. Review status: criteria provided, multiple submitters, no conflicts (2 of 4 stars). 2 submissions from 2 submitters: Uncertain significance (2). Last evaluated 2021-03-14.

Conditions:
Multiple endocrine neoplasia, type 1 (MEN1). Also called: MEN I; WERMER SYNDROME; Endocrine adenomatosis multiple; MEN 1; MEA I. Identifiers: Orphanet 652, MedGen C0025267, MeSH D018761, MONDO:0007540, OMIM 131100.
Hereditary cancer-predisposing syndrome. Also called: Neoplastic Syndromes, Hereditary; Tumor predisposition; Hereditary neoplastic syndrome; Hereditary Cancer Syndrome. Identifiers: Orphanet 140162, MedGen C0027672, MeSH D009386, MONDO:0015356.

Submissions (2):

Labcorp Genetics (formerly Invitae), Labcorp
Classification: Uncertain significance for Multiple endocrine neoplasia, type 1. Last evaluated: 2021-03-14. Review status: criteria provided, single submitter. Criteria: Invitae Variant Classification Sherloc (09022015). Collection method: clinical testing. Allele origin: germline.
Comment: In summary, the available evidence is currently insufficient to determine the role of this variant in disease. Therefore, it has been classified as a Variant of Uncertain Significance. Advanced modeling of protein sequence and biophysical properties (such as structural, functional, and spatial information, amino acid conservation, physicochemical variation, residue mobility, and thermodynamic stability) performed at Invitae indicates that this missense variant is expected to disrupt MEN1 protein function. This variant has not been reported in the literature in individuals with MEN1-related conditions. This variant is not present in population databases (ExAC no frequency). This sequence change replaces lysine with glutamic acid at codon 608 of the MEN1 protein (p.Lys608Glu). The lysine residue is highly conserved and there is a small physicochemical difference between lysine and glutamic acid.

Ambry Genetics
Classification: Uncertain significance for Hereditary cancer-predisposing syndrome. Last evaluated: 2020-08-07. Review status: criteria provided, single submitter. Criteria: Ambry Variant Classification Scheme 2023. Collection method: clinical testing. Allele origin: germline.
Comment: The p.K608E variant (also known as c.1822A>G), located in coding exon 9 of the MEN1 gene, results from an A to G substitution at nucleotide position 1822. The lysine at codon 608 is replaced by glutamic acid, an amino acid with similar properties. This amino acid position is highly conserved in available vertebrate species. In addition, this alteration is predicted to be deleterious by in silico analysis. Since supporting evidence is limited at this time, the clinical significance of this alteration remains unclear.